The following is an entry in ClinVar:

NM_145290.4(ADGRA3):c.1049C>T (p.Pro350Leu)

Gene: ADGRA3 (adhesion G protein-coupled receptor A3; minus strand). Cytogenetic location: 4p15.2.
Variant type: single nucleotide variant.
Coding change: c.1049C>T on transcript NM_145290.4 (MANE Select); coding-DNA position 1049, C replaced by T.
Protein change: p.Pro350Leu; replaces proline 350 with leucine.
Molecular consequence: missense variant.
Genome position (GRCh38, 1-based): chr4:22,438,292, G>A on the plus strand (C>T on the coding strand, the complement: ADGRA3 is on the minus strand). VCF-style: chr4-22438292-G-A. GRCh37 (hg19) VCF-style: chr4-22439915-G-A.
Other names: short protein forms P350L.
Identifiers: ClinVar variation 746606 (VCV000746606.10), dbSNP rs147843055, ClinGen allele CA2874072.

ClinVar aggregate classification (germline): Likely benign. Review status: criteria provided, multiple submitters, no conflicts (2 of 4 stars). 4 submissions from 4 submitters: Likely benign (4). Last evaluated 2026-03-01.

Conditions:
Retinal dystrophy. Also called: Inherited retinal dystrophy. Identifiers: Orphanet 71862, MedGen C0854723, MeSH D058499, MONDO:0019118, HP:0000556.

Allele frequency attached by ClinVar (database versions not stated): 1000 Genomes Project 30x 0.00016; 1000 Genomes Project 0.00020; gnomAD 0.00034 and 0.00036; TOPMed 0.00042; gnomAD exomes 0.00068; ExAC 0.00069.
gnomAD v4.1: 773 of 1,611,634 alleles (0.048%); highest among the groups gnomAD compares: Middle Eastern, 0.39%; 3 homozygotes.

Submissions (4):

CeGaT Center for Human Genetics Tuebingen
Classification: Likely benign. Last evaluated: 2026-03-01. Review status: criteria provided, single submitter. Criteria: CeGaT Center For Human Genetics Tuebingen Variant Classification Criteria Version 2. Collection method: clinical testing. Allele origin: germline. Affected: yes. Observed: 1 variant allele.
Comment: ADGRA3: BS2

Dept Of Ophthalmology, Nagoya University
Classification: Likely benign for Retinal dystrophy. Last evaluated: 2023-10-01. Review status: criteria provided, single submitter. Criteria: Submitter's publication. Collection method: research. Allele origin: germline. Affected: yes.

Labcorp Genetics (formerly Invitae), Labcorp
Classification: Likely benign. Last evaluated: 2019-12-31. Review status: criteria provided, single submitter. Criteria: Invitae Variant Classification Sherloc (09022015). Collection method: clinical testing. Allele origin: germline.

Breakthrough Genomics
Classification: Likely benign. Review status: criteria provided, single submitter. Criteria: ACMG Guidelines, 2015. Collection method: not provided. Allele origin: germline. Inheritance: Unknown mechanism. Affected: yes.